The following is an entry in ClinVar:

NM_000884.3(IMPDH2):c.1044C>A (p.Tyr348Ter)

Gene: IMPDH2 (inosine monophosphate dehydrogenase 2; minus strand). Cytogenetic location: 3p21.31.
Variant type: single nucleotide variant.
Coding change: c.1044C>A on transcript NM_000884.3 (MANE Select); coding-DNA position 1044, C replaced by A.
Protein change: p.Tyr348Ter; replaces tyrosine 348 with a stop codon.
Molecular consequence: nonsense.
Genome position (GRCh38, 1-based): chr3:49,025,232, G>T on the plus strand (C>A on the coding strand, the complement: IMPDH2 is on the minus strand). VCF-style: chr3-49025232-G-T. GRCh37 (hg19) VCF-style: chr3-49062665-G-T.
Other names: c.1116C>A, p.Tyr372Ter (NM_001410759.1); c.1041C>A, p.Tyr347Ter (NM_001410760.1); c.969C>A, p.Tyr323Ter (NM_001410761.1); short protein forms Y323*, Y347*, Y348*, Y372*.
Identifiers: ClinVar variation 2446351 (VCV002446351.2), dbSNP rs2106782998, ClinGen allele CA352737264.
Genomic context (GRCh38, chr3:49,025,232, plus strand): 5'-TTGGATTCCTCCATCAGCAATGACCGGAACACCAAAGCGCCGTGCATACTCTGACACCTT[G>T]TACACTGCTGTTGCTTGGGGCCGCCCACAGGCCAGCACTGTTGAGATGGAGGAACACATG-3'

ClinVar aggregate classification (germline): Uncertain significance (1 of 4 stars; one submission).

Submission:

GeneDx
Classification: Uncertain significance. Last evaluated: 2024-05-22. Review status: criteria provided, single submitter. Criteria: GeneDx Variant Classification Process June 2021. Collection method: clinical testing. Allele origin: germline.
Comment: Not observed at significant frequency in large population cohorts (gnomAD); Nonsense variant predicted to result in protein truncation or nonsense mediated decay in a gene or region of a gene for which loss of function is not a well-established mechanism of disease; Has not been previously published as pathogenic or benign to our knowledge